The following is an entry in ClinVar:

NM_018109.4(MTPAP):c.500A>G (p.Asn167Ser)

Gene: MTPAP (mitochondrial poly(A) polymerase; minus strand). Cytogenetic location: 10p11.23.
Variant type: single nucleotide variant.
Coding change: c.500A>G on transcript NM_018109.4 (MANE Select); coding-DNA position 500, A replaced by G.
Protein change: p.Asn167Ser; replaces asparagine 167 with serine.
Molecular consequence: missense variant.
Genome position (GRCh38, 1-based): chr10:30,340,281, T>C on the plus strand (A>G on the coding strand, the complement: MTPAP is on the minus strand). VCF-style: chr10-30340281-T-C. GRCh37 (hg19) VCF-style: chr10-30629210-T-C.
Other names: short protein forms N167S.
Identifiers: ClinVar variation 2464102 (VCV002464102.3), dbSNP rs762331215, ClinGen allele CA5459178.

ClinVar aggregate classification (germline): Uncertain significance. Review status: criteria provided, multiple submitters, no conflicts (2 of 4 stars). 2 submissions from 2 submitters: Uncertain significance (2). Last evaluated 2025-06-16.

Conditions:
Inborn genetic diseases. Identifiers: MedGen C0950123, MeSH D030342.

gnomAD v4.1: 9 of 1,614,192 alleles (0.00056%); highest among the groups gnomAD compares: Admixed American, 0.015%; no homozygotes.

Submissions (2):

GeneDx
Classification: Uncertain significance. Last evaluated: 2025-06-16. Review status: criteria provided, single submitter. Criteria: GeneDx Variant Classification Process June 2021. Collection method: clinical testing. Allele origin: germline. Affected: yes.
Comment: In silico analysis supports that this missense variant has a deleterious effect on protein structure/function; Has not been previously published as pathogenic or benign to our knowledge

Ambry Genetics
Classification: Uncertain significance for Inborn genetic diseases. Last evaluated: 2023-02-08. Review status: criteria provided, single submitter. Criteria: Ambry Variant Classification Scheme 2023. Collection method: clinical testing. Allele origin: germline.